The following is an entry in ClinVar:

ClinVar aggregate classification (germline): Uncertain significance. Review status: criteria provided, multiple submitters, no conflicts (2 of 4 stars). 2 submissions from 2 submitters: Uncertain significance (2). Last evaluated 2026-02-03.

Submissions (2):

GeneDx
Classification: Uncertain significance. Last evaluated: 2026-02-03. Review status: criteria provided, single submitter. Criteria: GeneDx Variant Classification Process June 2021. Collection method: clinical testing. Allele origin: germline.
Comment: Not observed at significant frequency in large population cohorts (gnomAD); In silico analysis supports that this missense variant has a deleterious effect on protein structure/function; Has not been previously published as pathogenic or benign to our knowledge

Labcorp Genetics (formerly Invitae), Labcorp
Classification: Uncertain significance. Last evaluated: 2020-05-15. Review status: criteria provided, single submitter. Criteria: Invitae Variant Classification Sherloc (09022015). Collection method: clinical testing. Allele origin: germline.
Comment: In summary, the available evidence is currently insufficient to determine the role of this variant in disease. Therefore, it has been classified as a Variant of Uncertain Significance. Algorithms developed to predict the effect of missense changes on protein structure and function are either unavailable or do not agree on the potential impact of this missense change (SIFT: "Deleterious"; PolyPhen-2: "Probably Damaging"; Align-GVGD: "Class C0"). This variant has not been reported in the literature in individuals with TTBK2-related conditions. This variant is not present in population databases (ExAC no frequency). This sequence change replaces arginine with glycine at codon 140 of the TTBK2 protein (p.Arg140Gly). The arginine residue is highly conserved and there is a moderate physicochemical difference between arginine and glycine.

NM_173500.4(TTBK2):c.418C>G (p.Arg140Gly)

Gene: TTBK2 (tau tubulin kinase 2; minus strand). Cytogenetic location: 15q15.2.
Variant type: single nucleotide variant.
Coding change: c.418C>G on transcript NM_173500.4 (MANE Select); coding-DNA position 418, C replaced by G.
Protein change: p.Arg140Gly; replaces arginine 140 with glycine.
Molecular consequence: missense variant.
Genome position (GRCh38, 1-based): chr15:42,829,952, G>C on the plus strand (C>G on the coding strand, the complement: TTBK2 is on the minus strand). VCF-style: chr15-42829952-G-C. GRCh37 (hg19) VCF-style: chr15-43122150-G-C.
Other names: c.418C>G (NM_173500.3); short protein forms R140G.
Identifiers: ClinVar variation 1055973 (VCV001055973.11), dbSNP rs2140985680, ClinGen allele CA392051518.